The following is an entry in ClinVar:

ClinVar aggregate classification (germline): Uncertain significance. Review status: criteria provided, multiple submitters, no conflicts (2 of 4 stars). 2 submissions from 2 submitters: Uncertain significance (2). Last evaluated 2022-09-16.

Conditions:
Inborn genetic diseases. Identifiers: MedGen C0950123, MeSH D030342.
NPHP3-related disorder. Also called: NPHP3-related disorders; NPHP3-related condition. Identifiers: MedGen CN379163.

Allele frequency attached by ClinVar (database versions not stated): ExAC 0.00001; gnomAD 0.00001; TOPMed 0.00001.

Submissions (2):

PreventionGenetics, part of Exact Sciences
Classification: Uncertain significance for NPHP3-related condition. Last evaluated: 2022-09-16. Review status: criteria provided, single submitter. Criteria: ACMG Guidelines, 2015. Collection method: clinical testing. Allele origin: germline.
Comment: The NPHP3 c.628C>T variant is predicted to result in the amino acid substitution p.Pro210Ser. To our knowledge, this variant has not been reported in the literature. This variant is reported in 0.00088% of alleles in individuals of European (Non-Finnish) descent in gnomAD. At this time, the clinical significance of this variant is uncertain due to the absence of conclusive functional and genetic evidence.

Ambry Genetics
Classification: Uncertain significance for Inborn genetic diseases. Last evaluated: 2022-06-21. Review status: criteria provided, single submitter. Criteria: Ambry Variant Classification Scheme 2023. Collection method: clinical testing. Allele origin: germline.

NM_153240.5(NPHP3):c.628C>T (p.Pro210Ser)

Genes: NPHP3 (nephrocystin 3; minus strand), NPHP3-ACAD11 (NPHP3-ACAD11 readthrough (NMD candidate); minus strand). Cytogenetic location: 3q22.1.
Variant type: single nucleotide variant.
Coding change: c.628C>T on transcript NM_153240.5 (MANE Select); coding-DNA position 628, C replaced by T.
Protein change: p.Pro210Ser; replaces proline 210 with serine.
Molecular consequence: missense variant. On other transcripts: non-coding transcript variant (1).
Genome position (GRCh38, 1-based): chr3:132,719,036, G>A on the plus strand (C>T on the coding strand, the complement: NPHP3 is on the minus strand). VCF-style: chr3-132719036-G-A. GRCh37 (hg19) VCF-style: chr3-132437880-G-A.
Other names: short protein forms P210S.
Identifiers: ClinVar variation 2296134 (VCV002296134.3), dbSNP rs752611428, ClinGen allele CA2622551.
Genomic context (GRCh38, chr3:132,719,036, plus strand): 5'-AATAGGATATACACTTACCAGTGACATCTGTACAGTTGTCATCTGAATCAGACTCCCCAG[G>A]ATCAAATACTTGGATACCCTGAGCCTGTAGCCTCTGAAGTTTGCTCTCCAACTCCCTCTT-3'
Protein context (NP_694972.3, residues 200-220): LQAQGIQVFD[Pro210Ser]GESDSDDNCT